The following is an entry in ClinVar:

NM_001374736.1(DST):c.17680+9T>C

Gene: DST (dystonin; minus strand). Cytogenetic location: 6p12.1.
Variant type: single nucleotide variant.
Coding change: c.17680+9T>C on transcript NM_001374736.1 (MANE Select); 9 bases into the intron after coding-DNA position 17680, T replaced by C.
Molecular consequence: intron variant.
Genome position (GRCh38, 1-based): chr6:56,528,832, A>G on the plus strand (T>C on the coding strand, the complement: DST is on the minus strand). VCF-style: chr6-56528832-A-G. GRCh37 (hg19) VCF-style: chr6-56393630-A-G.
Other names: c.11323+9T>C (NM_001144769.5); c.17680+9T>C (NM_001374722.1); c.17707+9T>C (NM_001374734.1); c.10909+9T>C (NM_001144770.2); c.10462+9T>C (NM_001374730.1); c.10789+9T>C (NM_001386100.1, NM_183380.4); c.16720+9T>C (NM_001374729.1); c.9811+9T>C (NM_015548.5).
Identifiers: ClinVar variation 1991423 (VCV001991423.4), dbSNP rs1194467928, ClinGen allele CA826157816.

ClinVar aggregate classification (germline): Uncertain significance (1 of 4 stars; one submission).

Conditions:
Epidermolysis bullosa simplex 3, localized or generalized intermediate, with BP230 deficiency (EBS3). Also called: Epidermolysis bullosa simplex, autosomal recessive 2; Epidermolysis bullosa simplex due to BP230 deficiency. Identifiers: Orphanet 412181, MedGen C3809470, MONDO:0014180, OMIM 615425.
Hereditary sensory and autonomic neuropathy type 6. Also called: Neuropathy, hereditary sensory and autonomic, type VI; HSAN VI. Identifiers: Orphanet 314381, MedGen C3539003, MONDO:0013839, OMIM 614653.

Allele frequency attached by ClinVar (database versions not stated): gnomAD 0.00001; TOPMed 0.00002.

Submission:

Labcorp Genetics (formerly Invitae), Labcorp
Classification: Uncertain significance for Epidermolysis bullosa simplex 3, localized or generalized intermediate, with BP230 deficiency; Hereditary sensory and autonomic neuropathy type 6. Last evaluated: 2022-05-21. Review status: criteria provided, single submitter. Criteria: Invitae Variant Classification Sherloc (09022015). Collection method: clinical testing. Allele origin: germline.
Comment: This variant is not present in population databases (gnomAD no frequency). This sequence change falls in intron 48 of the DST gene. It does not directly change the encoded amino acid sequence of the DST protein. This variant has not been reported in the literature in individuals affected with DST-related conditions. Experimental studies and prediction algorithms are not available or were not evaluated, and the effect of this variant on mRNA splicing is currently unknown. In summary, the available evidence is currently insufficient to determine the role of this variant in disease. Therefore, it has been classified as a Variant of Uncertain Significance.